The following is an entry in ClinVar:

ClinVar aggregate classification (germline): Uncertain significance (1 of 4 stars; one submission).

Conditions:
Hereditary breast ovarian cancer syndrome. Also called: Breast and ovarian cancer; Hereditary breast and/or ovarian cancer syndrome; BRCA1- and BRCA2-Associated Hereditary Breast and Ovarian Cancer; Hereditary breast and ovarian cancer syndrome; Hereditary breast and ovarian cancer syndrome (HBOC); Hereditary breast and ovarian cancer. Identifiers: Orphanet 145, MedGen C0677776, MeSH D061325, MONDO:0003582. Disease mechanism: loss of function.

Submissions (2):

Labcorp Genetics (formerly Invitae), Labcorp
Classification: Uncertain significance for Hereditary breast ovarian cancer syndrome. Last evaluated: 2022-04-13. Review status: criteria provided, single submitter. Criteria: Invitae Variant Classification Sherloc (09022015). Collection method: clinical testing. Allele origin: germline.
Comment: This sequence change replaces arginine, which is basic and polar, with threonine, which is neutral and polar, at codon 1726 of the BRCA1 protein (p.Arg1726Thr). This variant is not present in population databases (gnomAD no frequency). This variant has not been reported in the literature in individuals affected with BRCA1-related conditions. ClinVar contains an entry for this variant (Variation ID: 531408). Advanced modeling of protein sequence and biophysical properties (such as structural, functional, and spatial information, amino acid conservation, physicochemical variation, residue mobility, and thermodynamic stability) performed at Invitae indicates that this missense variant is not expected to disrupt BRCA1 protein function. Experimental studies have shown that this missense change does not substantially affect BRCA1 function (PMID: 30209399). In summary, the available evidence is currently insufficient to determine the role of this variant in disease. Therefore, it has been classified as a Variant of Uncertain Significance.

Brotman Baty Institute, University of Washington
No classification provided (evidence only). Condition: Breast-ovarian cancer, familial 1. Review status: no classification provided. Collection method: in vitro. Allele origin: not applicable. Functional consequence: functionally_normal. Not counted in ClinVar's aggregate classification.
ClinVar note: "not provided" was previously submitted as the classification for the variant. However, the classification appeared to be based only on an observation of functional data so it was converted to no classification on 2025-07-30.

Literature cited by the submitters: PubMed 30209399 (cited by Labcorp Genetics (formerly Invitae), Labcorp).

NM_007294.4(BRCA1):c.5177G>C (p.Arg1726Thr)

Gene: BRCA1 (BRCA1 DNA repair associated; minus strand). Cytogenetic location: 17q21.31.
Variant type: single nucleotide variant.
Coding change: c.5177G>C on transcript NM_007294.4 (MANE Select); coding-DNA position 5177, G replaced by C.
Protein change: p.Arg1726Thr; replaces arginine 1726 with threonine.
Molecular consequence: missense variant. On other transcripts: non-coding transcript variant (1).
Genome position (GRCh38, 1-based): chr17:43,063,349, C>G on the plus strand (G>C on the coding strand, the complement: BRCA1 is on the minus strand). VCF-style: chr17-43063349-C-G. GRCh37 (hg19) VCF-style: chr17-41215366-C-G.
Other names: c.4961G>C, p.Arg1654Thr (NM_001407917.1, NM_001407918.1, NM_001407916.1 and 1 more transcripts); c.5054G>C, p.Arg1685Thr (NM_001407919.1, NM_001407937.1, NM_001407938.1 and 6 more transcripts); c.4913G>C, p.Arg1638Thr (NM_001407920.1, NM_001407921.1, NM_001407922.1 and 4 more transcripts); c.4907G>C, p.Arg1636Thr (NM_001407935.1, NM_001407936.1, NM_001407934.1); c.5051G>C, p.Arg1684Thr (NM_001407939.1, NM_001407940.1, NM_001407679.1 and 10 more transcripts); c.5048G>C, p.Arg1683Thr (NM_001407941.1, NM_001407681.1, NM_001407682.1 and 6 more transcripts); c.5036G>C, p.Arg1679Thr (NM_001407942.1, NM_007297.4, NM_001407724.1 and 13 more transcripts); c.5033G>C, p.Arg1678Thr (NM_001407943.1, NM_001407732.1, NM_001407743.1 and 21 more transcripts); and 72 more; short protein forms R1726T, R622T, R1747T, R1679T, R1572T, R1599T, R1638T, R1659T.
Identifiers: ClinVar variation 531408 (VCV000531408.10), dbSNP rs786203547, ClinGen allele CA10591190.
Genomic context (GRCh38, chr17:43,063,349, plus strand): 5'-ACTGAATGAATATCTCTGGTTAGTTTGTAACATCAAGTACTTACCTCATTCAGCATTTTT[C>G]TTTCTTTAATAGACTGGGTCACCCCTAAAGAGATCATAGAAAAGACAGGTTACATACAGC-3'
Protein context (NP_009225.1, residues 1716-1736): YFWVTQSIKE[Arg1726Thr]KMLNEHDFEV